The following is an entry in ClinVar:

ClinVar aggregate classification (germline): Pathogenic/Likely pathogenic. Review status: criteria provided, multiple submitters, no conflicts (2 of 4 stars). 2 submissions from 2 submitters: Pathogenic (1); Likely pathogenic (1). Last evaluated 2023-08-06.

Conditions:
DNAAF1-related disorder. Also called: DNAAF1-related condition.
Primary ciliary dyskinesia. Also called: Ciliary dyskinesia. Identifiers: Orphanet 244, MedGen C0008780, MONDO:0016575, HP:0012265.

Submissions (2):

Labcorp Genetics (formerly Invitae), Labcorp
Classification: Pathogenic for Primary ciliary dyskinesia. Last evaluated: 2023-08-06. Review status: criteria provided, single submitter. Criteria: Invitae Variant Classification Sherloc (09022015). Collection method: clinical testing. Allele origin: germline.
Comment: For these reasons, this variant has been classified as Pathogenic. This variant has not been reported in the literature in individuals affected with DNAAF1-related conditions. This variant is not present in population databases (gnomAD no frequency). This sequence change creates a premature translational stop signal (p.Gln329*) in the DNAAF1 gene. It is expected to result in an absent or disrupted protein product. Loss-of-function variants in DNAAF1 are known to be pathogenic (PMID: 19944400, 19944405).

PreventionGenetics, part of Exact Sciences
Classification: Likely pathogenic for DNAAF1-related condition. Last evaluated: 2023-04-24. Review status: criteria provided, single submitter. Criteria: ACMG Guidelines, 2015. Collection method: clinical testing. Allele origin: germline.
Comment: The DNAAF1 c.985C>T variant is predicted to result in premature protein termination (p.Gln329*). To our knowledge, this variant has not been reported in the literature or in a large population database, indicating this variant is rare. Nonsense variants in DNAAF1 are expected to be pathogenic. This variant is interpreted as likely pathogenic.

Literature cited by the submitters: PubMed 19944400 (cited by Labcorp Genetics (formerly Invitae), Labcorp); PubMed 19944405 (cited by Labcorp Genetics (formerly Invitae), Labcorp).

NM_178452.6(DNAAF1):c.985C>T (p.Gln329Ter)

Gene: DNAAF1 (dynein axonemal assembly factor 1; plus strand). Cytogenetic location: 16q24.1.
Variant type: single nucleotide variant.
Coding change: c.985C>T on transcript NM_178452.6 (MANE Select); coding-DNA position 985, C replaced by T.
Protein change: p.Gln329Ter; replaces glutamine 329 with a stop codon.
Molecular consequence: nonsense.
Genome position (GRCh38, 1-based): chr16:84,165,904, C>T. VCF-style: chr16-84165904-C-T. GRCh37 (hg19) VCF-style: chr16-84199510-C-T.
Other names: c.229C>T, p.Gln77Ter (NM_001318756.1); short protein forms Q329*, Q77*.
Identifiers: ClinVar variation 2633349 (VCV002633349.4), dbSNP rs2507432053, ClinGen allele CA396946596.